The following is an entry in ClinVar:

NM_001194.4(HCN2):c.2605C>T (p.Pro869Ser)

Gene: HCN2 (hyperpolarization activated cyclic nucleotide gated potassium and sodium channel 2; plus strand). Cytogenetic location: 19p13.3.
Variant type: single nucleotide variant.
Coding change: c.2605C>T on transcript NM_001194.4 (MANE Select); coding-DNA position 2605, C replaced by T.
Protein change: p.Pro869Ser; replaces proline 869 with serine.
Molecular consequence: missense variant.
Genome position (GRCh38, 1-based): chr19:616,409, C>T. VCF-style: chr19-616409-C-T. GRCh37 (hg19) VCF-style: chr19-616409-C-T.
Other names: short protein forms P869S.
Identifiers: ClinVar variation 4821763 (VCV004821763.4).

ClinVar aggregate classification (germline): Uncertain significance (1 of 4 stars; one submission).

gnomAD v4.1: 10 of 1,237,424 alleles (0.00081%); highest among the groups gnomAD compares: South Asian, 0.02%; no homozygotes.

Submission:

CeGaT Center for Human Genetics Tuebingen
Classification: Uncertain significance. Last evaluated: 2026-02-01. Review status: criteria provided, single submitter. Criteria: CeGaT Center For Human Genetics Tuebingen Variant Classification Criteria Version 2. Collection method: clinical testing. Allele origin: germline. Affected: yes. Observed: 1 variant allele.
Comment: HCN2: PP3